The following is an entry in ClinVar:

NM_002677.5(PMP2):c.184G>A (p.Glu62Lys)

Gene: PMP2 (peripheral myelin protein 2; minus strand). Cytogenetic location: 8q21.13.
Variant type: single nucleotide variant.
Coding change: c.184G>A on transcript NM_002677.5 (MANE Select); coding-DNA position 184, G replaced by A.
Protein change: p.Glu62Lys; replaces glutamic acid 62 with lysine.
Molecular consequence: missense variant. On other transcripts: intron variant (1).
Genome position (GRCh38, 1-based): chr8:81,444,879, C>T on the plus strand (G>A on the coding strand, the complement: PMP2 is on the minus strand). VCF-style: chr8-81444879-C-T. GRCh37 (hg19) VCF-style: chr8-82357114-C-T.
Other names: c.184G>A (NM_002677.3); c.74-278G>A (NM_001348381.2); short protein forms E62K.
Identifiers: ClinVar variation 2081089 (VCV002081089.5), dbSNP rs747636616, ClinGen allele CA4791962.
Genomic context (GRCh38, chr8:81,444,879, plus strand): 5'-TGGTCTTTCTATTGTCAGCTGTGGTTTCTTCAAATTCCTGGCCTAGCTTGAAGGAGATTT[C>T]TGTATTTTTAAAGGTACTTTCAGTTCGTATAGTTATAATATCTCCTTTCTTGCTGATGAT-3'
Protein context (NP_002668.1, residues 52-72): IRTESTFKNT[Glu62Lys]ISFKLGQEFE

ClinVar aggregate classification (germline): Uncertain significance. Review status: criteria provided, multiple submitters, no conflicts (2 of 4 stars). 2 submissions from 2 submitters: Uncertain significance (2). Last evaluated 2024-08-14.

Conditions:
Inborn genetic diseases. Identifiers: MedGen C0950123, MeSH D030342.

Allele frequency attached by ClinVar (database versions not stated): gnomAD 0.00002; gnomAD exomes 0.00002; TOPMed 0.00002; ExAC 0.00008.

Submissions (2):

Labcorp Genetics (formerly Invitae), Labcorp
Classification: Uncertain significance. Last evaluated: 2024-08-14. Review status: criteria provided, single submitter. Criteria: Invitae Variant Classification Sherloc (09022015). Collection method: clinical testing. Allele origin: germline.
Comment: This sequence change replaces glutamic acid, which is acidic and polar, with lysine, which is basic and polar, at codon 62 of the PMP2 protein (p.Glu62Lys). This variant is present in population databases (rs747636616, gnomAD 0.06%), and has an allele count higher than expected for a pathogenic variant. This variant has not been reported in the literature in individuals affected with PMP2-related conditions. ClinVar contains an entry for this variant (Variation ID: 2081089). An algorithm developed to predict the effect of missense changes on protein structure and function (PolyPhen-2) suggests that this variant is likely to be tolerated. In summary, the available evidence is currently insufficient to determine the role of this variant in disease. Therefore, it has been classified as a Variant of Uncertain Significance.

Ambry Genetics
Classification: Uncertain significance for Inborn genetic diseases. Last evaluated: 2024-06-16. Review status: criteria provided, single submitter. Criteria: Ambry Variant Classification Scheme 2023. Collection method: clinical testing. Allele origin: germline.